The following is an entry in ClinVar:

ClinVar aggregate classification (germline): Pathogenic (1 of 4 stars; one submission).

Allele frequency attached by ClinVar (database versions not stated): ExAC 0.00001; gnomAD exomes 0.00001 and 0.00002.
gnomAD v4.1: 21 of 1,611,406 alleles (0.0013%); highest among the groups gnomAD compares: Non-Finnish European, 0.0016%; no homozygotes.

Submission:

Labcorp Genetics (formerly Invitae), Labcorp
Classification: Pathogenic. Last evaluated: 2021-01-04. Review status: criteria provided, single submitter. Criteria: Invitae Variant Classification Sherloc (09022015). Collection method: clinical testing. Allele origin: germline.
Comment: This variant has not been reported in the literature in individuals with WISP3-related conditions. This variant is present in population databases (rs782311414, ExAC 0.002%). This sequence change creates a premature translational stop signal (p.Lys208*) in the WISP3 gene. It is expected to result in an absent or disrupted protein product. Loss-of-function variants in WISP3 are known to be pathogenic (PMID: 22791401). For these reasons, this variant has been classified as Pathogenic.

Literature cited by the submitters: PubMed 22791401.

NM_198239.2(CCN6):c.622A>T (p.Lys208Ter)

Gene: CCN6 (cellular communication network factor 6; plus strand). Cytogenetic location: 6q21.
Variant type: single nucleotide variant.
Coding change: c.622A>T on transcript NM_198239.2 (MANE Select); coding-DNA position 622, A replaced by T.
Protein change: p.Lys208Ter; replaces lysine 208 with a stop codon.
Molecular consequence: nonsense. On other transcripts: non-coding transcript variant (2).
Genome position (GRCh38, 1-based): chr6:112,068,237, A>T. VCF-style: chr6-112068237-A-T. GRCh37 (hg19) VCF-style: chr6-112389440-A-T.
Other names: c.622A>T, p.Lys208Ter (NM_003880.4); short protein forms K208*.
Identifiers: ClinVar variation 1680470 (VCV001680470.6), dbSNP rs782311414, ClinGen allele CA3964070.
Genomic context (GRCh38, chr6:112,068,237, plus strand): 5'-CATATGTACTTTTCTCCCTTTGTTTTAGCTTATAGAAATCTCCCACTTATTTGGAAAAAA[A>T]AATGTCTTGTGCAAGCAACAAAATGGACTCCCTGCTCCAGAACATGTGGGATGGGAATAT-3'